The following is an entry in ClinVar:

NM_004211.5(SLC6A5):c.956A>G (p.Glu319Gly)

Gene: SLC6A5 (solute carrier family 6 member 5; plus strand). Cytogenetic location: 11p15.1.
Variant type: single nucleotide variant.
Coding change: c.956A>G on transcript NM_004211.5 (MANE Select); coding-DNA position 956, A replaced by G.
Protein change: p.Glu319Gly; replaces glutamic acid 319 with glycine.
Molecular consequence: missense variant.
Genome position (GRCh38, 1-based): chr11:20,607,623, A>G. VCF-style: chr11-20607623-A-G. GRCh37 (hg19) VCF-style: chr11-20629169-A-G.
Other names: c.254A>G, p.Glu85Gly (NM_001318369.2); short protein forms E319G, E85G.
Identifiers: ClinVar variation 1506309 (VCV001506309.7), dbSNP rs182204638, ClinGen allele CA5921258.
Genomic context (GRCh38, chr11:20,607,623, plus strand): 5'-TTGCCTCCTTTGTGTCTGTACTACCCTGGGGCTCCTGCAACAACCCTTGGAATACGCCAG[A>G]ATGCAAAGATAAAACCAAACTTTTATTAGGTAAGTTTGGAAATACCTGCTTTAGGTGTGT-3'
Protein context (NP_004202.4, residues 309-329): GSCNNPWNTP[Glu319Gly]CKDKTKLLLD

ClinVar aggregate classification (germline): Uncertain significance (1 of 4 stars; one submission).

Conditions:
Hyperekplexia 3 (HKPX3). Also called: HYPEREKPLEXIA 3, AUTOSOMAL RECESSIVE; HYPEREKPLEXIA 3, AUTOSOMAL DOMINANT. Identifiers: Orphanet 3197, MedGen C3553288, MONDO:0013827, OMIM 614618.

Allele frequency attached by ClinVar (database versions not stated): gnomAD 0.00001 and 0.00002; ExAC 0.00002; gnomAD exomes 0.00002; TOPMed 0.00002; 1000 Genomes Project 0.00040; 1000 Genomes Project 30x 0.00047.
gnomAD v4.1: 6 of 1,614,186 alleles (0.00037%); highest among the groups gnomAD compares: African/African-American, 0.0053%; no homozygotes.

Submission:

Labcorp Genetics (formerly Invitae), Labcorp
Classification: Uncertain significance for Hyperekplexia 3. Last evaluated: 2024-02-12. Review status: criteria provided, single submitter. Criteria: Invitae Variant Classification Sherloc (09022015). Collection method: clinical testing. Allele origin: germline.
Comment: This sequence change replaces glutamic acid, which is acidic and polar, with glycine, which is neutral and non-polar, at codon 319 of the SLC6A5 protein (p.Glu319Gly). This variant is present in population databases (rs182204638, gnomAD 0.02%). This variant has not been reported in the literature in individuals affected with SLC6A5-related conditions. ClinVar contains an entry for this variant (Variation ID: 1506309). Advanced modeling of protein sequence and biophysical properties (such as structural, functional, and spatial information, amino acid conservation, physicochemical variation, residue mobility, and thermodynamic stability) performed at Invitae indicates that this missense variant is not expected to disrupt SLC6A5 protein function with a negative predictive value of 80%. In summary, the available evidence is currently insufficient to determine the role of this variant in disease. Therefore, it has been classified as a Variant of Uncertain Significance.